The following is an entry in ClinVar:

ClinVar aggregate classification (germline): Uncertain significance (1 of 4 stars; one submission).

Conditions:
3-methylglutaconic aciduria, type VIIB (MGCA7B). Also called: CLPB Deficiency; 3-methylglutaconic aciduria, type VII, with cataracts, neurologic involvement and neutropenia; 3-methylglutaconic aciduria with cataracts, neurologic involvement and neutropenia. Identifiers: Orphanet 445038, MedGen C5676893, MONDO:0014561, OMIM 616271.

Allele frequency attached by ClinVar (database versions not stated): gnomAD exomes below 0.00001.
gnomAD v4.1: 1 of 1,614,196 alleles (0.000062%); highest among the groups gnomAD compares: Non-Finnish European, 0.000085%; no homozygotes.

Submission:

Labcorp Genetics (formerly Invitae), Labcorp
Classification: Uncertain significance for 3-methylglutaconic aciduria, type VIIB. Last evaluated: 2022-08-15. Review status: criteria provided, single submitter. Criteria: Invitae Variant Classification Sherloc (09022015). Collection method: clinical testing. Allele origin: germline.
Comment: This variant has not been reported in the literature in individuals affected with CLPB-related conditions. In summary, the available evidence is currently insufficient to determine the role of this variant in disease. Therefore, it has been classified as a Variant of Uncertain Significance. Algorithms developed to predict the effect of missense changes on protein structure and function output the following: SIFT: "Tolerated"; PolyPhen-2: "Benign"; Align-GVGD: "Class C0". The serine amino acid residue is found in multiple mammalian species, which suggests that this missense change does not adversely affect protein function. This variant is not present in population databases (gnomAD no frequency). This sequence change replaces proline, which is neutral and non-polar, with serine, which is neutral and polar, at codon 667 of the CLPB protein (p.Pro667Ser).

NM_001258392.3(CLPB):c.1909C>T (p.Pro637Ser)

Gene: CLPB (ClpB family mitochondrial disaggregase; minus strand). Cytogenetic location: 11q13.4.
Variant type: single nucleotide variant.
Coding change: c.1909C>T on transcript NM_001258392.3 (MANE Select); coding-DNA position 1909, C replaced by T.
Protein change: p.Pro637Ser; replaces proline 637 with serine.
Molecular consequence: missense variant.
Genome position (GRCh38, 1-based): chr11:72,293,492, G>A on the plus strand (C>T on the coding strand, the complement: CLPB is on the minus strand). VCF-style: chr11-72293492-G-A. GRCh37 (hg19) VCF-style: chr11-72004536-G-A.
Other names: c.1822C>T, p.Pro608Ser (NM_001258393.3); c.1864C>T, p.Pro622Ser (NM_001258394.3); c.1999C>T, p.Pro667Ser (NM_030813.6); short protein forms P637S, P622S, P667S, P608S.
Identifiers: ClinVar variation 2116856 (VCV002116856.4), dbSNP rs2539313320, ClinGen allele CA381723833.